The following is an entry in ClinVar:

NM_032043.3(BRIP1):c.3054G>A (p.Lys1018=)

Gene: BRIP1 (BRCA1 interacting DNA helicase 1; minus strand). Cytogenetic location: 17q23.2.
Variant type: single nucleotide variant.
Coding change: c.3054G>A on transcript NM_032043.3 (MANE Select); coding-DNA position 3054, G replaced by A.
Protein change: p.Lys1018=; no amino-acid change (lysine 1018 retained).
Molecular consequence: synonymous variant.
Genome position (GRCh38, 1-based): chr17:61,683,992, C>T on the plus strand (G>A on the coding strand, the complement: BRIP1 is on the minus strand). VCF-style: chr17-61683992-C-T. GRCh37 (hg19) VCF-style: chr17-59761353-C-T.
Identifiers: ClinVar variation 2015657 (VCV002015657.6), dbSNP rs1200562739, ClinGen allele CA501335487.

ClinVar aggregate classification (germline): Benign/Likely benign. Review status: criteria provided, multiple submitters, no conflicts (2 of 4 stars). 3 submissions from 3 submitters: Benign (1); Likely benign (2). Last evaluated 2024-11-19.

Conditions:
Familial cancer of breast. Also called: hereditary breast carcinoma; BREAST CANCER, FAMILIAL; Hereditary breast cancer. Identifiers: Orphanet 227535, MedGen C0346153, MONDO:0016419, OMIM 114480. Disease mechanism: loss of function.
Fanconi anemia complementation group J. Also called: BRIP1-Related Fanconi Anemia. Identifiers: Orphanet 84, MedGen C1836860, MONDO:0012187, OMIM 609054.
Familial ovarian cancer. Identifiers: MedGen C5679802, MONDO:0016248.

Allele frequency attached by ClinVar (database versions not stated): gnomAD exomes below 0.00001.
gnomAD v4.1: 2 of 1,614,040 alleles (0.00012%); highest among the groups gnomAD compares: South Asian, 0.0022%; no homozygotes.

Submissions (3):

Labcorp Genetics (formerly Invitae), Labcorp
Classification: Likely benign for Familial cancer of breast; Fanconi anemia complementation group J. Last evaluated: 2024-11-19. Review status: criteria provided, single submitter. Criteria: Invitae Variant Classification Sherloc (09022015). Collection method: clinical testing. Allele origin: germline.

Myriad Genetics, Inc.
Classification: Benign for Familial cancer of breast. Last evaluated: 2024-09-09. Review status: criteria provided, single submitter. Criteria: Myriad Autosomal Dominant, Autosomal Recessive and X-Linked Classification Criteria (2023). Collection method: clinical testing. Allele origin: unknown.
Comment: This variant is considered benign. This variant is a silent/synonymous amino acid change and it is not expected to impact splicing.

Department of Pathology and Laboratory Medicine, Sinai Health System
Classification: Likely benign for familial ovarian cancer. Last evaluated: 2023-07-26. Review status: criteria provided, single submitter. Criteria: ACMG Guidelines, 2015. Collection method: clinical testing. Allele origin: germline. Affected: no.